The following is an entry in ClinVar:

NM_001084.5(PLOD3):c.268G>T (p.Val90Phe)

Gene: PLOD3 (procollagen-lysine,2-oxoglutarate 5-dioxygenase 3; minus strand). Cytogenetic location: 7q22.1.
Variant type: single nucleotide variant.
Coding change: c.268G>T on transcript NM_001084.5 (MANE Select); coding-DNA position 268, G replaced by T.
Protein change: p.Val90Phe; replaces valine 90 with phenylalanine.
Molecular consequence: missense variant.
Genome position (GRCh38, 1-based): chr7:101,216,480, C>A on the plus strand (G>T on the coding strand, the complement: PLOD3 is on the minus strand). VCF-style: chr7-101216480-C-A. GRCh37 (hg19) VCF-style: chr7-100859761-C-A.
Other names: c.268G>T (NM_001084.4); short protein forms V90F.
Identifiers: ClinVar variation 2107093 (VCV002107093.5), dbSNP rs1192783718, ClinGen allele CA368626396.

ClinVar aggregate classification (germline): Uncertain significance. Review status: criteria provided, multiple submitters, no conflicts (2 of 4 stars). 2 submissions from 2 submitters: Uncertain significance (2). Last evaluated 2023-12-08.

Conditions:
Inborn genetic diseases. Identifiers: MedGen C0950123, MeSH D030342.

Submissions (2):

Ambry Genetics
Classification: Uncertain significance for Inborn genetic diseases. Last evaluated: 2023-12-08. Review status: criteria provided, single submitter. Criteria: Ambry Variant Classification Scheme 2023. Collection method: clinical testing. Allele origin: germline.

Labcorp Genetics (formerly Invitae), Labcorp
Classification: Uncertain significance. Last evaluated: 2022-05-16. Review status: criteria provided, single submitter. Criteria: Invitae Variant Classification Sherloc (09022015). Collection method: clinical testing. Allele origin: germline.
Comment: In summary, the available evidence is currently insufficient to determine the role of this variant in disease. Therefore, it has been classified as a Variant of Uncertain Significance. Algorithms developed to predict the effect of missense changes on protein structure and function are either unavailable or do not agree on the potential impact of this missense change (SIFT: "Deleterious"; PolyPhen-2: "Probably Damaging"; Align-GVGD: "Class C0"). This variant has not been reported in the literature in individuals affected with PLOD3-related conditions. This variant is not present in population databases (gnomAD no frequency). This sequence change replaces valine, which is neutral and non-polar, with phenylalanine, which is neutral and non-polar, at codon 90 of the PLOD3 protein (p.Val90Phe).